The following is an entry in ClinVar:

ClinVar aggregate classification (germline): Uncertain significance (1 of 4 stars; one submission).

Conditions:
Familial melanoma. Also called: Hereditary melanoma; Hereditary cutaneous melanoma. Identifiers: Orphanet 618, MedGen C1512419, MONDO:0018961.

Allele frequency attached by ClinVar (database versions not stated): gnomAD exomes below 0.00001.
gnomAD v4.1: 1 of 1,614,120 alleles (0.000062%); highest among the groups gnomAD compares: Non-Finnish European, 0.000085%; no homozygotes.

Submission:

Labcorp Genetics (formerly Invitae), Labcorp
Classification: Uncertain significance for Familial melanoma. Last evaluated: 2022-10-06. Review status: criteria provided, single submitter. Criteria: Invitae Variant Classification Sherloc (09022015). Collection method: clinical testing. Allele origin: germline.
Comment: This variant is not present in population databases (gnomAD no frequency). This sequence change replaces proline, which is neutral and non-polar, with leucine, which is neutral and non-polar, at codon 212 of the CDK4 protein (p.Pro212Leu). In summary, the available evidence is currently insufficient to determine the role of this variant in disease. Therefore, it has been classified as a Variant of Uncertain Significance. Algorithms developed to predict the effect of missense changes on protein structure and function are either unavailable or do not agree on the potential impact of this missense change (SIFT: "Deleterious"; PolyPhen-2: "Probably Damaging"; Align-GVGD: "Class C0"). This variant has not been reported in the literature in individuals affected with CDK4-related conditions.

NM_000075.4(CDK4):c.635C>T (p.Pro212Leu)

Genes: CDK4 (cyclin dependent kinase 4; minus strand), TSPAN31 (tetraspanin 31; plus strand). Cytogenetic location: 12q14.1.
Variant type: single nucleotide variant.
Coding change: c.635C>T on transcript NM_000075.4 (MANE Select); coding-DNA position 635, C replaced by T.
Protein change: p.Pro212Leu; replaces proline 212 with leucine.
Molecular consequence: missense variant. On other transcripts: 3 prime UTR variant (3).
Genome position (GRCh38, 1-based): chr12:57,749,502, G>A on the plus strand (C>T on the coding strand, the complement: CDK4 is on the minus strand). VCF-style: chr12-57749502-G-A. GRCh37 (hg19) VCF-style: chr12-58143285-G-A.
Other names: c.*2212G>A (NM_001330168.2, NM_001330169.2, NM_005981.5); short protein forms P212L.
Identifiers: ClinVar variation 1721081 (VCV001721081.5), dbSNP rs1307245862, ClinGen allele CA385544310.
Genomic context (GRCh38, chr12:57,749,502, plus strand): 5'-TTGGTCACTTACTCAAAGATTTTGCCCAACTGGTCGGCTTCAGAGTTTCCACAGAAGAGA[G>A]GCCTAAGGTGAGAAGGGATATAAGGTAGCAGTCATTTTCAAAGATATCTTAGTTGAATGG-3'
Protein context (NP_000066.1, residues 202-222): CIFAEMFRRK[Pro212Leu]LFCGNSEADQ